The following is an entry in ClinVar:

ClinVar aggregate classification (germline): Uncertain significance. Review status: criteria provided, multiple submitters, no conflicts (2 of 4 stars). 2 submissions from 2 submitters: Uncertain significance (2). Last evaluated 2025-04-12.

Conditions:
Hereditary nonpolyposis colorectal neoplasms. Identifiers: MedGen C0009405, MeSH D003123.
Hereditary cancer-predisposing syndrome. Also called: Hereditary Cancer Syndrome; Neoplastic Syndromes, Hereditary; Tumor predisposition; Hereditary neoplastic syndrome. Identifiers: Orphanet 140162, MedGen C0027672, MeSH D009386, MONDO:0015356.

Submissions (2):

Ambry Genetics
Classification: Uncertain significance for Hereditary cancer-predisposing syndrome. Last evaluated: 2025-04-12. Review status: criteria provided, single submitter. Criteria: Ambry Variant Classification Scheme 2023. Collection method: clinical testing. Allele origin: germline.
Comment: The p.I843K variant (also known as c.2528T>A), located in coding exon 4 of the MSH6 gene, results from a T to A substitution at nucleotide position 2528. The isoleucine at codon 843 is replaced by lysine, an amino acid with dissimilar properties. This amino acid position is conserved. In addition, this alteration is predicted to be deleterious by in silico analysis. Based on the available evidence, the clinical significance of this variant remains unclear.

Labcorp Genetics (formerly Invitae), Labcorp
Classification: Uncertain significance for Hereditary nonpolyposis colorectal neoplasms. Last evaluated: 2024-04-08. Review status: criteria provided, single submitter. Criteria: Invitae Variant Classification Sherloc (09022015). Collection method: clinical testing. Allele origin: germline.
Comment: This sequence change replaces isoleucine, which is neutral and non-polar, with lysine, which is basic and polar, at codon 843 of the MSH6 protein (p.Ile843Lys). This variant is not present in population databases (gnomAD no frequency). This variant has not been reported in the literature in individuals affected with MSH6-related conditions. Advanced modeling of protein sequence and biophysical properties (such as structural, functional, and spatial information, amino acid conservation, physicochemical variation, residue mobility, and thermodynamic stability) has been performed at Invitae for this missense variant, however the output from this modeling did not meet the statistical confidence thresholds required to predict the impact of this variant on MSH6 protein function. In summary, the available evidence is currently insufficient to determine the role of this variant in disease. Therefore, it has been classified as a Variant of Uncertain Significance.

NM_000179.3(MSH6):c.2528T>A (p.Ile843Lys)

Gene: MSH6 (mutS homolog 6; plus strand). Cytogenetic location: 2p16.3.
Variant type: single nucleotide variant.
Coding change: c.2528T>A on transcript NM_000179.3 (MANE Select); coding-DNA position 2528, T replaced by A.
Protein change: p.Ile843Lys; replaces isoleucine 843 with lysine.
Molecular consequence: missense variant. On other transcripts: intron variant (3), non-coding transcript variant (5).
Genome position (GRCh38, 1-based): chr2:47,800,511, T>A. VCF-style: chr2-47800511-T-A. GRCh37 (hg19) VCF-style: chr2-48027650-T-A.
Other names: c.1606+922T>A (NM_001406817.1); c.628-155T>A (NM_001407362.1); c.2138T>A, p.Ile713Lys (NM_001281492.2); c.1622T>A, p.Ile541Lys (NM_001281493.2, NM_001281494.2, NM_001406811.1 and 6 more transcripts); c.2624T>A, p.Ile875Lys (NM_001406795.1, NM_001406802.1); c.2528T>A, p.Ile843Lys (NM_001406796.1, NM_001406798.1, NM_001406800.1 and 2 more transcripts); c.2231T>A, p.Ile744Lys (NM_001406797.1, NM_001406801.1, NM_001406805.1 and 10 more transcripts); c.2003T>A, p.Ile668Lys (NM_001406799.1, NM_001406806.1, NM_001406807.1); and 4 more; short protein forms I541K, I668K, I713K, I744K, I787K, I817K, I843K, I845K.
Identifiers: ClinVar variation 3610694 (VCV003610694.3).